The following is an entry in ClinVar:

ClinVar aggregate classification (germline): Uncertain significance. Review status: criteria provided, multiple submitters, no conflicts (2 of 4 stars). 2 submissions from 2 submitters: Uncertain significance (2). Last evaluated 2023-02-14.

Conditions:
Inborn genetic diseases. Identifiers: MedGen C0950123, MeSH D030342.

Allele frequency attached by ClinVar (database versions not stated): TOPMed 0.00002.
gnomAD v4.1: 5 of 1,613,636 alleles (0.00031%); highest among the groups gnomAD compares: Non-Finnish European, 0.00042%; no homozygotes.

Submissions (2):

Ambry Genetics
Classification: Uncertain significance for Inborn genetic diseases. Last evaluated: 2023-02-14. Review status: criteria provided, single submitter. Criteria: Ambry Variant Classification Scheme 2023. Collection method: clinical testing. Allele origin: germline.

Labcorp Genetics (formerly Invitae), Labcorp
Classification: Uncertain significance. Last evaluated: 2022-08-23. Review status: criteria provided, single submitter. Criteria: Invitae Variant Classification Sherloc (09022015). Collection method: clinical testing. Allele origin: germline.
Comment: This sequence change replaces arginine, which is basic and polar, with glycine, which is neutral and non-polar, at codon 1166 of the AUTS2 protein (p.Arg1166Gly). This variant is not present in population databases (gnomAD no frequency). This variant has not been reported in the literature in individuals affected with AUTS2-related conditions. Algorithms developed to predict the effect of missense changes on protein structure and function are either unavailable or do not agree on the potential impact of this missense change (SIFT: "Deleterious"; PolyPhen-2: "Benign"; Align-GVGD: "Class C15"). In summary, the available evidence is currently insufficient to determine the role of this variant in disease. Therefore, it has been classified as a Variant of Uncertain Significance.

NM_015570.4(AUTS2):c.3496C>G (p.Arg1166Gly)

Gene: AUTS2 (activator of transcription and developmental regulator AUTS2; plus strand). Cytogenetic location: 7q11.22.
Variant type: single nucleotide variant.
Coding change: c.3496C>G on transcript NM_015570.4 (MANE Select); coding-DNA position 3496, C replaced by G.
Protein change: p.Arg1166Gly; replaces arginine 1166 with glycine.
Molecular consequence: missense variant.
Genome position (GRCh38, 1-based): chr7:70,790,712, C>G. VCF-style: chr7-70790712-C-G. GRCh37 (hg19) VCF-style: chr7-70255698-C-G.
Other names: c.3424C>G, p.Arg1142Gly (NM_001127231.3); c.3496C>G (NM_015570.2); short protein forms R1142G, R1166G.
Identifiers: ClinVar variation 1985906 (VCV001985906.6), dbSNP rs1168188278, ClinGen allele CA367666324.